The following is an entry in ClinVar:

NM_025137.4(SPG11):c.233G>T (p.Cys78Phe)

Gene: SPG11 (SPG11 vesicle trafficking associated, spatacsin; minus strand). Cytogenetic location: 15q21.1.
Variant type: single nucleotide variant.
Coding change: c.233G>T on transcript NM_025137.4 (MANE Select); coding-DNA position 233, G replaced by T.
Protein change: p.Cys78Phe; replaces cysteine 78 with phenylalanine.
Molecular consequence: missense variant.
Genome position (GRCh38, 1-based): chr15:44,663,415, C>A on the plus strand (G>T on the coding strand, the complement: SPG11 is on the minus strand). VCF-style: chr15-44663415-C-A. GRCh37 (hg19) VCF-style: chr15-44955613-C-A.
Other names: c.233G>T, p.Cys78Phe (NM_001160227.2, NM_001411132.1); short protein forms C78F.
Identifiers: ClinVar variation 2088966 (VCV002088966.4), dbSNP rs2505793283, ClinGen allele CA392238527.

ClinVar aggregate classification (germline): Uncertain significance (1 of 4 stars; one submission).

Conditions:
Hereditary spastic paraplegia 11. Also called: Spastic paraplegia, mental retardation and thin corpus callosum; Spastic Paraplegia 11; Nakamura Osame syndrome; Autosomal recessive hereditary spastic paraplegia, mental impairment, and thin corpus callosum; SPASTIC PARAPLEGIA, AUTOSOMAL RECESSIVE, COMPLICATED, WITH THIN CORPUS CALLOSUM; SPASTIC PARAPLEGIA, AUTOSOMAL RECESSIVE, WITH MENTAL IMPAIRMENT AND THIN CORPUS CALLOSUM. Identifiers: Orphanet 2822, MedGen C1858479, MONDO:0011445, OMIM 604360.

Allele frequency attached by ClinVar (database versions not stated): gnomAD exomes below 0.00001.
gnomAD v4.1: 1 of 1,606,728 alleles (0.000062%); highest among the groups gnomAD compares: South Asian, 0.0011%; no homozygotes.

Submission:

Labcorp Genetics (formerly Invitae), Labcorp
Classification: Uncertain significance for Hereditary spastic paraplegia 11. Last evaluated: 2022-01-21. Review status: criteria provided, single submitter. Criteria: Invitae Variant Classification Sherloc (09022015). Collection method: clinical testing. Allele origin: germline.
Comment: In summary, the available evidence is currently insufficient to determine the role of this variant in disease. Therefore, it has been classified as a Variant of Uncertain Significance. Algorithms developed to predict the effect of missense changes on protein structure and function are either unavailable or do not agree on the potential impact of this missense change (SIFT: "Deleterious"; PolyPhen-2: "Possibly Damaging"; Align-GVGD: "Class C0"). This variant has not been reported in the literature in individuals affected with SPG11-related conditions. This variant is not present in population databases (gnomAD no frequency). This sequence change replaces cysteine, which is neutral and slightly polar, with phenylalanine, which is neutral and non-polar, at codon 78 of the SPG11 protein (p.Cys78Phe).